The following is an entry in ClinVar:

NM_004336.5(BUB1):c.1693C>G (p.Pro565Ala)

Gene: BUB1 (BUB1 mitotic checkpoint serine/threonine kinase; minus strand). Cytogenetic location: 2q13.
Variant type: single nucleotide variant.
Coding change: c.1693C>G on transcript NM_004336.5 (MANE Select); coding-DNA position 1693, C replaced by G.
Protein change: p.Pro565Ala; replaces proline 565 with alanine.
Molecular consequence: missense variant.
Genome position (GRCh38, 1-based): chr2:110,657,041, G>C on the plus strand (C>G on the coding strand, the complement: BUB1 is on the minus strand). VCF-style: chr2-110657041-G-C. GRCh37 (hg19) VCF-style: chr2-111414618-G-C.
Other names: c.1633C>G, p.Pro545Ala (NM_001278616.2); c.1693C>G, p.Pro565Ala (NM_001278617.2); short protein forms P545A, P565A.
Identifiers: ClinVar variation 3262167 (VCV003262167.1).

ClinVar aggregate classification (germline): Uncertain significance (1 of 4 stars; one submission).

Submission:

Ambry Genetics
Classification: Uncertain significance. Last evaluated: 2024-05-26. Review status: criteria provided, single submitter. Criteria: Ambry Variant Classification Scheme 2023. Collection method: clinical testing. Allele origin: germline.
Comment: The p.P565A variant (also known as c.1693C>G), located in coding exon 15 of the BUB1 gene, results from a C to G substitution at nucleotide position 1693. The proline at codon 565 is replaced by alanine, an amino acid with highly similar properties. This amino acid position is conserved. In addition, this alteration is predicted to be tolerated by in silico analysis. Based on the available evidence, the clinical significance of this variant remains unclear.